The following is an entry in ClinVar:

NM_147127.5(EVC2):c.1341C>T (p.Tyr447=)

Genes: EVC2 (EvC ciliary complex subunit 2; minus strand), LOC126806961 (BRD4-independent group 4 enhancer GRCh37_chr4:5641443-5642642; plus strand). Cytogenetic location: 4p16.2.
Variant type: single nucleotide variant.
Coding change: c.1341C>T on transcript NM_147127.5 (MANE Select); coding-DNA position 1341, C replaced by T.
Protein change: p.Tyr447=; no amino-acid change (tyrosine 447 retained).
Molecular consequence: synonymous variant.
Genome position (GRCh38, 1-based): chr4:5,640,643, G>A on the plus strand (C>T on the coding strand, the complement: EVC2 is on the minus strand). VCF-style: chr4-5640643-G-A. GRCh37 (hg19) VCF-style: chr4-5642370-G-A.
Other names: c.1101C>T, p.Tyr367= (NM_001166136.2).
Identifiers: ClinVar variation 461808 (VCV000461808.16), dbSNP rs186349183, ClinGen allele CA2835090.
Genomic context (GRCh38, chr4:5,640,643, plus strand): 5'-TTCCATCTTCTTTCTTGTTTCCAGGTCACATTCAGCTGTCAATGCCACCATCTTCCGATC[G>A]TACTCCTCTTGTATTTCATTTTCCAGCAATAGAAACTGCTTTTTGAAAACAGCACTCATT-3'
Protein context (NP_667338.3, residues 437-457): LLLENEIQEE[Tyr447=]DRKMVALTAE

ClinVar aggregate classification (germline): Benign/Likely benign. Review status: criteria provided, multiple submitters, no conflicts (2 of 4 stars). 4 submissions from 4 submitters: Benign (1); Likely benign (3). Last evaluated 2026-01-28.

Conditions:
Curry-Hall syndrome (WAD). Also called: WEYERS ACRODENTAL DYSOSTOSIS. Identifiers: Orphanet 952, MedGen C0457013, MONDO:0008673, OMIM 193530.
Ellis-van Creveld syndrome (EVC). Also called: MESOECTODERMAL DYSPLASIA; Chondroectodermal dysplasia. Identifiers: Orphanet 289, MedGen C0013903, MONDO:0009162, OMIM 225500.

Allele frequency attached by ClinVar (database versions not stated): gnomAD exomes 0.00009 and 0.00038; gnomAD 0.00017 and 0.00021; TOPMed 0.00019; ExAC 0.00034; 1000 Genomes Project 30x 0.00141; 1000 Genomes Project 0.00160.
gnomAD v4.1: 171 of 1,613,904 alleles (0.011%); highest among the groups gnomAD compares: East Asian, 0.25%; 2 homozygotes.

Submissions (4):

Labcorp Genetics (formerly Invitae), Labcorp
Classification: Benign for Curry-Hall syndrome; Ellis-van Creveld syndrome. Last evaluated: 2026-01-28. Review status: criteria provided, single submitter. Criteria: Invitae Variant Classification Sherloc (09022015). Collection method: clinical testing. Allele origin: germline.

Blueprint Genetics
Classification: Likely benign. Last evaluated: 2024-11-08. Review status: criteria provided, single submitter. Criteria: ACMG Guidelines, 2015. Collection method: clinical testing. Allele origin: germline.

Illumina Laboratory Services, Illumina
Classification: Likely benign for Ellis-van Creveld syndrome. Last evaluated: 2018-01-13. Review status: criteria provided, single submitter. Criteria: ICSL Variant Classification Criteria 13 December 2019. Collection method: clinical testing. Allele origin: germline.
Comment: This variant was observed in the ICSL laboratory as part of a predisposition screen in an ostensibly healthy population. It had not been previously curated by ICSL or reported in the Human Gene Mutation Database (HGMD: prior to June 1st, 2018), and was therefore a candidate for classification through an automated scoring system. Utilizing variant allele frequency, disease prevalence and penetrance estimates, and inheritance mode, an automated score was calculated to assess if this variant is too frequent to cause the disease. Based on the score and internal cut-off values, a variant classified as likely benign is not then subjected to further curation. The score for this variant resulted in a classification of likely benign for this disease.

GeneDx
Classification: Likely benign. Last evaluated: 2017-12-18. Review status: criteria provided, single submitter. Criteria: GeneDx Variant Classification (06012015). Collection method: clinical testing. Allele origin: germline. Affected: yes.
Comment: This variant is considered likely benign or benign based on one or more of the following criteria: it is a conservative change, it occurs at a poorly conserved position in the protein, it is predicted to be benign by multiple in silico algorithms, and/or has population frequency not consistent with disease.